The following is an entry in ClinVar:

ClinVar aggregate classification (germline): Benign. Review status: criteria provided, multiple submitters, no conflicts (2 of 4 stars). 3 submissions from 3 submitters: Benign (2). 1 of the submissions does not count toward it. Last evaluated 2021-05-11.

Allele frequency attached by ClinVar (database versions not stated): gnomAD 0.10157 and 0.09592; TOPMed 0.10648; 1000 Genomes Project 0.11961; 1000 Genomes Project 30x 0.12789.

Submissions (3):

GeneDx
Classification: Benign. Last evaluated: 2021-05-11. Review status: criteria provided, single submitter. Criteria: GeneDx Variant Classification Process June 2021. Collection method: clinical testing. Allele origin: germline. Affected: yes.

Breakthrough Genomics
Classification: Benign. Review status: criteria provided, single submitter. Criteria: ACMG Guidelines, 2015. Collection method: not provided. Allele origin: germline. Inheritance: Autosomal recessive inheritance. Affected: yes.

Genetic Services Laboratory, University of Chicago
Classification: Likely benign for AllHighlyPenetrant. Review status: no assertion criteria provided. Collection method: clinical testing. Allele origin: germline. Inheritance: Autosomal recessive inheritance. Observed: 28 variant alleles. Not counted in ClinVar's aggregate classification.
Comment: Likely benign based on allele frequency in 1000 Genomes Project or ESP global frequency and its presence in a patient with a rare or unrelated disease phenotype. NOT Sanger confirmed.

NM_001378615.1(CC2D2A):c.-19+37G>C

Genes: CC2D2A (coiled-coil and C2 domain containing 2A; plus strand), FBXL5 (F-box and leucine rich repeat protein 5; minus strand). Cytogenetic location: 4p15.32.
Variant type: single nucleotide variant.
Coding change: c.-19+37G>C on transcript NM_001378615.1 (MANE Select); 37 bases into the intron after 19 bases upstream of the start codon, G replaced by C.
Molecular consequence: intron variant.
Genome position (GRCh38, 1-based): chr4:15,470,094, G>C. VCF-style: chr4-15470094-G-C. GRCh37 (hg19) VCF-style: chr4-15471718-G-C.
Other names: c.-53+37G>C (NM_001080522.2, NM_020785.2); c.-19+37G>C (NM_001164720.3).
Identifiers: ClinVar variation 126226 (VCV000126226.9), dbSNP rs6819598, ClinGen allele CA150845.